The following is an entry in ClinVar:

NM_022455.5(NSD1):c.5868A>G (p.Leu1956=)

Gene: NSD1 (nuclear receptor binding SET domain protein 1; plus strand). Cytogenetic location: 5q35.3.
Variant type: single nucleotide variant.
Coding change: c.5868A>G on transcript NM_022455.5 (MANE Select); coding-DNA position 5868, A replaced by G.
Protein change: p.Leu1956=; no amino-acid change (leucine 1956 retained).
Molecular consequence: synonymous variant.
Genome position (GRCh38, 1-based): chr5:177,280,810, A>G. VCF-style: chr5-177280810-A-G. GRCh37 (hg19) VCF-style: chr5-176707811-A-G.
Other names: c.4995A>G, p.Leu1665= (NM_001365684.2, NM_001409308.1, NM_001409309.1 and 1 more transcripts); c.5868A>G, p.Leu1956= (NM_001409301.1, NM_001409302.1, NM_001409303.1); c.5448A>G, p.Leu1816= (NM_001409304.1); c.5115A>G, p.Leu1705= (NM_001409305.1); c.5106A>G, p.Leu1702= (NM_001409306.1, NM_001409307.1).
Identifiers: ClinVar variation 4085457 (VCV004085457.8).

ClinVar aggregate classification (germline): Likely benign (1 of 4 stars; one submission).

gnomAD v4.1: 1 of 1,614,130 alleles (0.000062%); highest among the groups gnomAD compares: Non-Finnish European, 0.000085%; no homozygotes.

Submission:

CeGaT Center for Human Genetics Tuebingen
Classification: Likely benign. Last evaluated: 2025-07-01. Review status: criteria provided, single submitter. Criteria: CeGaT Center For Human Genetics Tuebingen Variant Classification Criteria Version 2. Collection method: clinical testing. Allele origin: germline. Affected: yes. Observed: 1 variant allele.
Comment: NSD1: BP4, BP7